The following is an entry in ClinVar:

ClinVar aggregate classification (germline): Uncertain significance. Review status: criteria provided, multiple submitters, no conflicts (2 of 4 stars). 2 submissions from 2 submitters: Uncertain significance (2). Last evaluated 2025-10-07.

Conditions:
Inborn genetic diseases. Identifiers: MedGen C0950123, MeSH D030342.

Allele frequency attached by ClinVar (database versions not stated): gnomAD exomes below 0.00001; TOPMed below 0.00001.
gnomAD v4.1: 6 of 1,605,900 alleles (0.00037%); highest among the groups gnomAD compares: South Asian, 0.0055%; no homozygotes.

Submissions (2):

Ambry Genetics
Classification: Uncertain significance for Inborn genetic diseases. Last evaluated: 2025-10-07. Review status: criteria provided, single submitter. Criteria: Ambry Variant Classification Scheme 2023. Collection method: clinical testing. Allele origin: germline.

Labcorp Genetics (formerly Invitae), Labcorp
Classification: Uncertain significance. Last evaluated: 2022-11-22. Review status: criteria provided, single submitter. Criteria: Invitae Variant Classification Sherloc (09022015). Collection method: clinical testing. Allele origin: germline.
Comment: In summary, the available evidence is currently insufficient to determine the role of this variant in disease. Therefore, it has been classified as a Variant of Uncertain Significance. Advanced modeling of protein sequence and biophysical properties (such as structural, functional, and spatial information, amino acid conservation, physicochemical variation, residue mobility, and thermodynamic stability) performed at Invitae indicates that this missense variant is not expected to disrupt KCNV2 protein function. ClinVar contains an entry for this variant (Variation ID: 857162). This variant has not been reported in the literature in individuals affected with KCNV2-related conditions. This variant is present in population databases (no rsID available, gnomAD 0.003%). This sequence change replaces tyrosine, which is neutral and polar, with cysteine, which is neutral and slightly polar, at codon 194 of the KCNV2 protein (p.Tyr194Cys).

NM_133497.4(KCNV2):c.581A>G (p.Tyr194Cys)

Gene: KCNV2 (potassium voltage-gated channel modifier subfamily V member 2; plus strand). Cytogenetic location: 9p24.2.
Variant type: single nucleotide variant.
Coding change: c.581A>G on transcript NM_133497.4 (MANE Select); coding-DNA position 581, A replaced by G.
Protein change: p.Tyr194Cys; replaces tyrosine 194 with cysteine.
Molecular consequence: missense variant.
Genome position (GRCh38, 1-based): chr9:2,718,320, A>G. VCF-style: chr9-2718320-A-G. GRCh37 (hg19) VCF-style: chr9-2718320-A-G.
Other names: short protein forms Y194C.
Identifiers: ClinVar variation 857162 (VCV000857162.12), dbSNP rs1384318414, ClinGen allele CA372798487.